The following is an entry in ClinVar:

NM_000257.4(MYH7):c.325T>C (p.Tyr109His)

Gene: MYH7 (myosin heavy chain 7; minus strand). Cytogenetic location: 14q11.2.
Variant type: single nucleotide variant.
Coding change: c.325T>C on transcript NM_000257.4 (MANE Select); coding-DNA position 325, T replaced by C.
Protein change: p.Tyr109His; replaces tyrosine 109 with histidine.
Molecular consequence: missense variant.
Genome position (GRCh38, 1-based): chr14:23,433,104, A>G on the plus strand (T>C on the coding strand, the complement: MYH7 is on the minus strand). VCF-style: chr14-23433104-A-G. GRCh37 (hg19) VCF-style: chr14-23902313-A-G.
Other names: short protein forms Y109H.
Identifiers: ClinVar variation 1415866 (VCV001415866.6), dbSNP rs1415405257, ClinGen allele CA389053079.

ClinVar aggregate classification (germline): Uncertain significance (1 of 4 stars; one submission).

Conditions:
Hypertrophic cardiomyopathy. Also called: HYPERTROPHIC MYOCARDIOPATHY. Identifiers: Orphanet 217569, MedGen C0007194, MeSH D002312, MONDO:0005045, HP:0001639.

Allele frequency attached by ClinVar (database versions not stated): gnomAD exomes below 0.00001; gnomAD 0.00001.
gnomAD v4.1: 2 of 1,614,046 alleles (0.00012%); highest among the groups gnomAD compares: African/African-American, 0.0013%; no homozygotes.

Submission:

Labcorp Genetics (formerly Invitae), Labcorp
Classification: Uncertain significance for Hypertrophic cardiomyopathy. Last evaluated: 2022-08-15. Review status: criteria provided, single submitter. Criteria: Invitae Variant Classification Sherloc (09022015). Collection method: clinical testing. Allele origin: germline.
Comment: This variant has not been reported in the literature in individuals affected with MYH7-related conditions. This variant is present in population databases (no rsID available, gnomAD 0.01%). This sequence change replaces tyrosine, which is neutral and polar, with histidine, which is basic and polar, at codon 109 of the MYH7 protein (p.Tyr109His). In summary, the available evidence is currently insufficient to determine the role of this variant in disease. Therefore, it has been classified as a Variant of Uncertain Significance. Algorithms developed to predict the effect of missense changes on protein structure and function are either unavailable or do not agree on the potential impact of this missense change (SIFT: "Deleterious"; PolyPhen-2: "Probably Damaging"; Align-GVGD: "Class C0"). ClinVar contains an entry for this variant (Variation ID: 1415866).